The following is an entry in ClinVar:

NM_024675.4(PALB2):c.3028G>T (p.Glu1010Ter)

Gene: PALB2 (partner and localizer of BRCA2; minus strand). Cytogenetic location: 16p12.2.
Variant type: single nucleotide variant.
Coding change: c.3028G>T on transcript NM_024675.4 (MANE Select); coding-DNA position 3028, G replaced by T.
Protein change: p.Glu1010Ter; replaces glutamic acid 1010 with a stop codon.
Molecular consequence: nonsense.
Genome position (GRCh38, 1-based): chr16:23,621,447, C>A on the plus strand (G>T on the coding strand, the complement: PALB2 is on the minus strand). VCF-style: chr16-23621447-C-A. GRCh37 (hg19) VCF-style: chr16-23632768-C-A.
Other names: short protein forms E1010*.
Identifiers: ClinVar variation 858309 (VCV000858309.13), dbSNP rs1966771907, ClinGen allele CA395143098.

ClinVar aggregate classification (germline): Pathogenic. Review status: criteria provided, multiple submitters, no conflicts (2 of 4 stars). 3 submissions from 3 submitters: Pathogenic (3). Last evaluated 2025-07-31.

Conditions:
Hereditary cancer-predisposing syndrome. Also called: Tumor predisposition; Hereditary neoplastic syndrome; Neoplastic Syndromes, Hereditary; Hereditary Cancer Syndrome. Identifiers: Orphanet 140162, MedGen C0027672, MeSH D009386, MONDO:0015356.
Familial cancer of breast. Also called: hereditary breast carcinoma; BREAST CANCER, FAMILIAL; Hereditary breast cancer. Identifiers: Orphanet 227535, MedGen C0346153, MONDO:0016419, OMIM 114480. Disease mechanism: loss of function.

Submissions (3):

Ambry Genetics
Classification: Pathogenic for Hereditary cancer-predisposing syndrome. Last evaluated: 2025-07-31. Review status: criteria provided, single submitter. Criteria: Ambry Variant Classification Scheme 2023. Collection method: clinical testing. Allele origin: germline.
Comment: The p.E1010* pathogenic mutation (also known as c.3028G>T), located in coding exon 10 of the PALB2 gene, results from a G to T substitution at nucleotide position 3028. This changes the amino acid from a glutamic acid to a stop codon within coding exon 10. This variant is considered to be rare based on population cohorts in the Genome Aggregation Database (gnomAD). This alteration is expected to result in loss of function by premature protein truncation or nonsense-mediated mRNA decay. As such, this alteration is interpreted as a disease-causing mutation.

Labcorp Genetics (formerly Invitae), Labcorp
Classification: Pathogenic for Familial cancer of breast. Last evaluated: 2023-12-29. Review status: criteria provided, single submitter. Criteria: Invitae Variant Classification Sherloc (09022015). Collection method: clinical testing. Allele origin: germline.
Comment: This sequence change creates a premature translational stop signal (p.Glu1010*) in the PALB2 gene. It is expected to result in an absent or disrupted protein product. Loss-of-function variants in PALB2 are known to be pathogenic (PMID: 17200668, 17200671, 17200672, 24136930, 25099575). This variant is not present in population databases (gnomAD no frequency). This variant has not been reported in the literature in individuals affected with PALB2-related conditions. ClinVar contains an entry for this variant (Variation ID: 858309). For these reasons, this variant has been classified as Pathogenic.

Myriad Genetics, Inc.
Classification: Pathogenic for Familial cancer of breast. Last evaluated: 2023-09-14. Review status: criteria provided, single submitter. Criteria: Myriad Autosomal Dominant, Autosomal Recessive and X-Linked Classification Criteria (2023). Collection method: clinical testing. Allele origin: unknown.
Comment: This variant is considered pathogenic. This variant creates a termination codon and is predicted to result in premature protein truncation.

Literature cited by the submitters: PubMed 17200668 (cited by Labcorp Genetics (formerly Invitae), Labcorp); PubMed 17200671 (cited by Labcorp Genetics (formerly Invitae), Labcorp); PubMed 17200672 (cited by Labcorp Genetics (formerly Invitae), Labcorp); PubMed 24136930 (cited by Labcorp Genetics (formerly Invitae), Labcorp); PubMed 25099575 (cited by Labcorp Genetics (formerly Invitae), Labcorp).